The following is an entry in ClinVar:

ClinVar aggregate classification (germline): Likely pathogenic (1 of 4 stars; one submission).

Conditions:
Galactosylceramide beta-galactosidase deficiency. Also called: Leukodystrophy, Globoid Cell; Krabbe Disease; GALACTOCEREBROSIDASE DEFICIENCY; GALC DEFICIENCY; GLOBOID CELL LEUKOENCEPHALOPATHY. Identifiers: Orphanet 487, MedGen C0023521, MONDO:0009499, OMIM 245200.

Submission:

Natera, Inc.
Classification: Likely pathogenic for Galactosylceramide beta-galactosidase deficiency. Last evaluated: 2024-05-20. Review status: criteria provided, single submitter. Criteria: Natera Variant Classification Schema (03/2026). Collection method: clinical testing. Allele origin: germline.
Comment: The c.1162-2A>T variant in GALC is a canonical splice acceptor site variant predicted to affect pre-mRNA splicing, which may result in an abnormal transcript and altered protein product. This variant is expected to result in nonsense mediated decay, truncation, or a dysfunctional protein product. This variant is rare in the general population with a frequency below the threshold expected for the associated phenotype(s). Given the available evidence, this variant is classified as Likely Pathogenic.

NM_000153.4(GALC):c.1162-2A>T

Gene: GALC (galactosylceramidase; minus strand). Cytogenetic location: 14q31.3.
Variant type: single nucleotide variant.
Coding change: c.1162-2A>T on transcript NM_000153.4 (MANE Select); the canonical splice acceptor site of the intron before coding-DNA position 1162, A replaced by T.
Molecular consequence: splice acceptor variant.
Genome position (GRCh38, 1-based): chr14:87,950,750, T>A on the plus strand (A>T on the coding strand, the complement: GALC is on the minus strand). VCF-style: chr14-87950750-T-A. GRCh37 (hg19) VCF-style: chr14-88417094-T-A.
Other names: c.529-2A>T (NM_001424077.1, NM_001424076.1); c.814-2A>T (NM_001424075.1, NM_001424074.1); c.994-2A>T (NM_001424072.1, NM_001424073.1, NM_001424071.1); c.1084-2A>T (NM_001201402.2); c.1093-2A>T (NM_001201401.2).
Identifiers: ClinVar variation 4817600 (VCV004817600.1).
Genomic context (GRCh38, chr14:87,950,750, plus strand): 5'-TGTTGTGACACATTGAAATAAGGAAGAAATGGCCGTATGCACTTAGAATGTTTATGACTC[T>A]GAAAAAAAAAAATCACATACATTATCCAAATGATGTATAAGCTACCTTAGGGGAAAAAAA-3'